The following is an entry in ClinVar:

ClinVar aggregate classification (germline): Conflicting classifications of pathogenicity. Review status: criteria provided, conflicting classifications (1 of 4 stars). 2 submissions from 2 submitters: Likely pathogenic (1); Uncertain significance (1). Last evaluated 2024-07-01.

Conditions:
Idiopathic generalized epilepsy. Also called: Generalised epilepsy; EIG. Identifiers: MedGen C0270850, MONDO:0005579, OMIM 600669.
Epilepsy, childhood absence 4 (ECA4). Also called: EPILEPSY, CHILDHOOD ABSENCE, SUSCEPTIBILITY TO, 4. Identifiers: Orphanet 307, MedGen C1970160.
Epilepsy, idiopathic generalized, susceptibility to, 13. Also called: EPILEPSY, JUVENILE MYOCLONIC, SUSCEPTIBILITY TO, 5. Identifiers: Orphanet 307, Orphanet 64280, MedGen C4013473, MONDO:0012627, OMIM 611136.

Submissions (2):

CeGaT Center for Human Genetics Tuebingen
Classification: Likely pathogenic. Last evaluated: 2024-07-01. Review status: criteria provided, single submitter. Criteria: CeGaT Center For Human Genetics Tuebingen Variant Classification Criteria Version 2. Collection method: clinical testing. Allele origin: germline. Affected: yes. Observed: 1 variant allele.
Comment: GABRA1: PM2, PM5, PP2, PP3

Labcorp Genetics (formerly Invitae), Labcorp
Classification: Uncertain significance for Epilepsy, childhood absence 4; Epilepsy, idiopathic generalized, susceptibility to, 13; Idiopathic generalized epilepsy. Last evaluated: 2022-05-06. Review status: criteria provided, single submitter. Criteria: Invitae Variant Classification Sherloc (09022015). Collection method: clinical testing. Allele origin: germline.
Comment: In summary, the available evidence is currently insufficient to determine the role of this variant in disease. Therefore, it has been classified as a Variant of Uncertain Significance. Algorithms developed to predict the effect of missense changes on protein structure and function (SIFT, PolyPhen-2, Align-GVGD) all suggest that this variant is likely to be disruptive. This variant has not been reported in the literature in individuals affected with GABRA1-related conditions. This variant is not present in population databases (gnomAD no frequency). This sequence change replaces arginine, which is basic and polar, with glycine, which is neutral and non-polar, at codon 147 of the GABRA1 protein (p.Arg147Gly).

NM_001127644.2(GABRA1):c.439C>G (p.Arg147Gly)

Gene: GABRA1 (gamma-aminobutyric acid type A receptor subunit alpha1; plus strand). Cytogenetic location: 5q34.
Variant type: single nucleotide variant.
Coding change: c.439C>G on transcript NM_001127644.2 (MANE Select); coding-DNA position 439, C replaced by G.
Protein change: p.Arg147Gly; replaces arginine 147 with glycine.
Molecular consequence: missense variant.
Genome position (GRCh38, 1-based): chr5:161,873,300, C>G. VCF-style: chr5-161873300-C-G. GRCh37 (hg19) VCF-style: chr5-161300306-C-G.
Other names: c.439C>G, p.Arg147Gly (NM_000806.5, NM_001127643.2, NM_001127645.2 and 1 more transcripts); short protein forms R147G.
Identifiers: ClinVar variation 2130326 (VCV002130326.21), dbSNP rs139163545, ClinGen allele CA362179085.